The following is an entry in ClinVar:

NM_058216.3(RAD51C):c.972A>C (p.Ala324=)

Gene: RAD51C (RAD51 paralog C; plus strand). Cytogenetic location: 17q22.
Variant type: single nucleotide variant.
Coding change: c.972A>C on transcript NM_058216.3 (MANE Select); coding-DNA position 972, A replaced by C.
Protein change: p.Ala324=; no amino-acid change (alanine 324 retained).
Molecular consequence: synonymous variant. On other transcripts: non-coding transcript variant (1).
Genome position (GRCh38, 1-based): chr17:58,732,490, A>C. VCF-style: chr17-58732490-A-C. GRCh37 (hg19) VCF-style: chr17-56809851-A-C.
Identifiers: ClinVar variation 508791 (VCV000508791.1), dbSNP rs1555605052, ClinGen allele CA400364858.

ClinVar aggregate classification (germline): Likely benign (1 of 4 stars; one submission).

Submission:

GeneDx
Classification: Likely benign. Last evaluated: 2017-04-06. Review status: criteria provided, single submitter. Criteria: GeneDx Variant Classification (06012015). Collection method: clinical testing. Allele origin: germline. Affected: yes.
Comment: This variant is considered likely benign or benign based on one or more of the following criteria: it is a conservative change, it occurs at a poorly conserved position in the protein, it is predicted to be benign by multiple in silico algorithms, and/or has population frequency not consistent with disease.